The following is an entry in ClinVar:

NC_012920.1(MT-CYB):m.14935T>C

Gene: MT-CYB (mitochondrially encoded cytochrome b; plus strand).
Variant type: single nucleotide variant.
Genome position: chrM-14935-T-C.
Identifiers: ClinVar variation 143920 (VCV000143920.4), dbSNP rs527236204, ClinGen allele CA270626.

ClinVar aggregate classification (germline): Benign. Review status: criteria provided, single submitter (1 of 4 stars). 2 submissions from 2 submitters: Benign (1). 1 of the submissions does not count toward it. Last evaluated 2022-05-04.

Conditions:
Familial cancer of breast. Also called: BREAST CANCER, FAMILIAL; Hereditary breast cancer; hereditary breast carcinoma. Identifiers: Orphanet 227535, MedGen C0346153, MONDO:0016419, OMIM 114480. Disease mechanism: loss of function.

Submissions (2):

Mendelics
Classification: Benign. Last evaluated: 2022-05-04. Review status: criteria provided, single submitter. Criteria: Mendelics Assertion Criteria 2019. Collection method: clinical testing. Allele origin: germline.

Department of Zoology Govt. MVM College
Classification: Likely pathogenic for Familial cancer of breast. Review status: no assertion criteria provided. Collection method: not provided. Allele origin: unknown. Not counted in ClinVar's aggregate classification.
Comment: KM276981;KM276997
ClinVar note: Converted during submission from probable-pathogenic to Likely pathogenic.